The following is an entry in ClinVar:

NM_001447.3(FAT2):c.6449C>T (p.Thr2150Met)

Genes: FAT2 (FAT atypical cadherin 2; minus strand), SLC36A1 (solute carrier family 36 member 1; plus strand). Cytogenetic location: 5q33.1.
Variant type: single nucleotide variant.
Coding change: c.6449C>T on transcript NM_001447.3 (MANE Select); coding-DNA position 6449, C replaced by T.
Protein change: p.Thr2150Met; replaces threonine 2150 with methionine.
Molecular consequence: missense variant.
Genome position (GRCh38, 1-based): chr5:151,544,678, G>A on the plus strand (C>T on the coding strand, the complement: FAT2 is on the minus strand). VCF-style: chr5-151544678-G-A. GRCh37 (hg19) VCF-style: chr5-150924239-G-A.
Other names: c.6449C>T (NM_001447.2); short protein forms T2150M.
Identifiers: ClinVar variation 2055663 (VCV002055663.33), dbSNP rs147595273, ClinGen allele CA3521107.

ClinVar aggregate classification (germline): Likely benign. Review status: criteria provided, multiple submitters, no conflicts (2 of 4 stars). 3 submissions from 3 submitters: Likely benign (2). 1 of the submissions does not count toward it. Last evaluated 2026-03-01.

Conditions:
FAT2-related disorder. Also called: FAT2-related condition.

Allele frequency attached by ClinVar (database versions not stated): 1000 Genomes Project 30x 0.00047; 1000 Genomes Project 0.00060; TOPMed 0.00135; ESP Exome Variant Server 0.00154; gnomAD exomes 0.00210; gnomAD 0.00216; ExAC 0.00220.
gnomAD v4.1: 3,383 of 1,614,054 alleles (0.21%); highest among the groups gnomAD compares: Non-Finnish European, 0.23%; 18 homozygotes.

Submissions (3):

CeGaT Center for Human Genetics Tuebingen
Classification: Likely benign. Last evaluated: 2026-03-01. Review status: criteria provided, single submitter. Criteria: CeGaT Center For Human Genetics Tuebingen Variant Classification Criteria Version 2. Collection method: clinical testing. Allele origin: germline. Affected: yes. Observed: 16 variant alleles.
Comment: FAT2: PP2, BP4, BS2

Labcorp Genetics (formerly Invitae), Labcorp
Classification: Likely benign. Last evaluated: 2026-01-27. Review status: criteria provided, single submitter. Criteria: Invitae Variant Classification Sherloc (09022015). Collection method: clinical testing. Allele origin: germline.

PreventionGenetics, part of Exact Sciences
Classification: Benign for FAT2-related condition. Last evaluated: 2019-07-08. Review status: no assertion criteria provided. Collection method: clinical testing. Allele origin: germline. Not counted in ClinVar's aggregate classification.
Comment: This variant is classified as benign based on ACMG/AMP sequence variant interpretation guidelines (Richards et al. 2015 PMID: 25741868, with internal and published modifications).